The following is an entry in ClinVar:

NM_002185.5(IL7R):c.120C>G (p.Phe40Leu)

Gene: IL7R (interleukin 7 receptor; plus strand). Cytogenetic location: 5p13.2.
Variant type: single nucleotide variant.
Coding change: c.120C>G on transcript NM_002185.5 (MANE Select); coding-DNA position 120, C replaced by G.
Protein change: p.Phe40Leu; replaces phenylalanine 40 with leucine.
Molecular consequence: missense variant. On other transcripts: non-coding transcript variant (1).
Genome position (GRCh38, 1-based): chr5:35,860,889, C>G. VCF-style: chr5-35860889-C-G. GRCh37 (hg19) VCF-style: chr5-35860991-C-G.
Other names: F40L.
Identifiers: ClinVar variation 1693469 (VCV001693469.4), dbSNP rs1759787978, ClinGen allele CA359426693.

ClinVar aggregate classification (germline): Uncertain significance. Review status: criteria provided, multiple submitters, no conflicts (2 of 4 stars). 3 submissions from 3 submitters: Uncertain significance (2). 1 of the submissions does not count toward it. Last evaluated 2024-12-19.

Conditions:
IMMUNODEFICIENCY 104, SEVERE COMBINED, SUSCEPTIBILITY TO.
Immunodeficiency 104. Also called: Severe combined immunodeficiency, autosomal recessive, T cell-negative, B cell-positive, NK cell-positive; SCID, AUTOSOMAL RECESSIVE, T CELL-NEGATIVE, B CELL-POSITIVE, NK CELL-POSITIVE; Severe Combined Immune Deficiency, Autosomal Recessive, TCell -Negative, B Cell-Positive, NK Cell-Positive, IL7R-Related; IMMUNODEFICIENCY 104, SEVERE COMBINED. Identifiers: MedGen C5676890, MONDO:0012163, OMIM 608971.

Submissions (3):

Genomic Medicine Center of Excellence, King Faisal Specialist Hospital and Research Centre
Classification: Uncertain significance for Immunodeficiency 104. Last evaluated: 2024-12-19. Review status: criteria provided, single submitter. Criteria: ACMG Guidelines, 2015. Collection method: clinical testing. Allele origin: germline.

3billion
Classification: Uncertain significance for Immunodeficiency 104. Last evaluated: 2024-12-05. Review status: criteria provided, single submitter. Criteria: ACMG Guidelines, 2015. Collection method: clinical testing. Allele origin: germline. Affected: yes.
Comment: The variant is not observed in the gnomAD v4.1.0 dataset. Predicted Consequence/Location: Missense variant. The majority of the known disease-causing variants of this gene are variants expected to result in premature termination of the protein. Damaging effect on gene or gene product predicted by in silico programs is uncertain [REVEL: 0.48 (damaging >=0.6, benign <0.4)]. The same nucleotide change resulting in the same amino acid change has been previously reported to be associated with IL7R-related disorder (PMID: 31379863) as a risk factor. Therefore, this variant is classified as VUS according to the recommendation of ACMG/AMP guideline.

OMIM
Classification: risk factor for IMMUNODEFICIENCY 104, SEVERE COMBINED, SUSCEPTIBILITY TO. Last evaluated: 2024-08-29. Review status: no assertion criteria provided. Collection method: literature only. Allele origin: germline. Not counted in ClinVar's aggregate classification.

Literature cited by the submitters: PubMed 31379863 (cited by 3billion and OMIM).